The following is an entry in ClinVar:

ClinVar aggregate classification (germline): Conflicting classifications of pathogenicity. Review status: criteria provided, conflicting classifications (1 of 4 stars). 2 submissions from 2 submitters: Uncertain significance (1); Likely benign (1). Last evaluated 2025-12-21.

Conditions:
Inborn genetic diseases. Identifiers: MedGen C0950123, MeSH D030342.

Allele frequency attached by ClinVar (database versions not stated): ExAC 0.00002; gnomAD 0.00001.
gnomAD v4.1: 4 of 1,613,984 alleles (0.00025%); highest among the groups gnomAD compares: East Asian, 0.0067%; no homozygotes.

Submissions (2):

Labcorp Genetics (formerly Invitae), Labcorp
Classification: Uncertain significance. Last evaluated: 2025-12-21. Review status: criteria provided, single submitter. Criteria: Invitae Variant Classification Sherloc (09022015). Collection method: clinical testing. Allele origin: germline.
Comment: This sequence change replaces glycine, which is neutral and non-polar, with aspartic acid, which is acidic and polar, at codon 248 of the SLC45A2 protein (p.Gly248Asp). This variant is present in population databases (rs777504801, gnomAD 0.01%). This variant has not been reported in the literature in individuals affected with SLC45A2-related conditions. ClinVar contains an entry for this variant (Variation ID: 2376250). Invitae Evidence Modeling of protein sequence and biophysical properties (such as structural, functional, and spatial information, amino acid conservation, physicochemical variation, residue mobility, and thermodynamic stability) indicates that this missense variant is not expected to disrupt SLC45A2 protein function with a negative predictive value of 80%. In summary, the available evidence is currently insufficient to determine the role of this variant in disease. Therefore, it has been classified as a Variant of Uncertain Significance.

Ambry Genetics
Classification: Likely benign for Inborn genetic diseases. Last evaluated: 2022-07-29. Review status: criteria provided, single submitter. Criteria: Ambry Variant Classification Scheme 2023. Collection method: clinical testing. Allele origin: germline.

NM_016180.5(SLC45A2):c.743G>A (p.Gly248Asp)

Gene: SLC45A2 (solute carrier family 45 member 2; minus strand). Cytogenetic location: 5p13.2.
Variant type: single nucleotide variant.
Coding change: c.743G>A on transcript NM_016180.5 (MANE Select); coding-DNA position 743, G replaced by A.
Protein change: p.Gly248Asp; replaces glycine 248 with aspartic acid.
Molecular consequence: missense variant. On other transcripts: intron variant (1).
Genome position (GRCh38, 1-based): chr5:33,963,836, C>T on the plus strand (G>A on the coding strand, the complement: SLC45A2 is on the minus strand). VCF-style: chr5-33963836-C-T. GRCh37 (hg19) VCF-style: chr5-33963941-C-T.
Other names: c.743G>A, p.Gly248Asp (NM_001012509.4); c.563-9332G>A (NM_001297417.4); short protein forms G248D.
Identifiers: ClinVar variation 2376250 (VCV002376250.3), dbSNP rs777504801, ClinGen allele CA3225712.